The following is an entry in ClinVar:

ClinVar aggregate classification (germline): Conflicting classifications of pathogenicity. Review status: criteria provided, conflicting classifications (1 of 4 stars). 3 submissions from 3 submitters: Uncertain significance (2); Likely benign (1). Last evaluated 2025-11-25.

Conditions:
CHARGE syndrome (CHARGE). Also called: Hittner Hirsch Kreh syndrome; CHARGE ASSOCIATION--COLOBOMA, HEART ANOMALY, CHOANAL ATRESIA, RETARDATION, GENITAL AND EAR ANOMALIES; Coloboma, heart anomaly, choanal atresia, retardation, genital and ear anomalies; CHARGE association; Hall-Hittner syndrome. Identifiers: Orphanet 138, MedGen C0265354, MONDO:0008965.

Allele frequency attached by ClinVar (database versions not stated): gnomAD exomes below 0.00001; ExAC 0.00001.
gnomAD v4.1: 3 of 1,612,268 alleles (0.00019%); highest among the groups gnomAD compares: Admixed American, 0.0033%; no homozygotes.

Submissions (3):

Dasa
Classification: Uncertain significance. Last evaluated: 2025-11-25. Review status: criteria provided, single submitter. Criteria: DASA Assertion Criteria. Collection method: clinical testing. Allele origin: germline.
Comment: NM_017780.4(CHD7):c.8224A>C (p.Asn2742His) is a missense variant that results in the substitution of asparagine with histidine. This variant is rare in population databases. The currently available literature and clinical evidence are not sufficient to establish a definitive association between this variant and the reported condition. Therefore, this variant is classified as a variant of uncertain significance.

GeneDx
Classification: Uncertain significance. Last evaluated: 2023-06-28. Review status: criteria provided, single submitter. Criteria: GeneDx Variant Classification Process June 2021. Collection method: clinical testing. Allele origin: germline. Affected: yes.
Comment: In silico analysis supports that this missense variant has a deleterious effect on protein structure/function; Missense variant in a gene in which most reported pathogenic variants are truncating/loss of function; Has not been previously published as pathogenic or benign to our knowledge

Labcorp Genetics (formerly Invitae), Labcorp
Classification: Likely benign for CHARGE syndrome. Last evaluated: 2022-12-08. Review status: criteria provided, single submitter. Criteria: Invitae Variant Classification Sherloc (09022015). Collection method: clinical testing. Allele origin: germline.

NM_017780.4(CHD7):c.8224A>C (p.Asn2742His)

Gene: CHD7 (chromodomain helicase DNA binding protein 7; plus strand). Cytogenetic location: 8q12.2.
Variant type: single nucleotide variant.
Coding change: c.8224A>C on transcript NM_017780.4 (MANE Select); coding-DNA position 8224, A replaced by C.
Protein change: p.Asn2742His; replaces asparagine 2742 with histidine.
Molecular consequence: missense variant.
Genome position (GRCh38, 1-based): chr8:60,865,163, A>C. VCF-style: chr8-60865163-A-C. GRCh37 (hg19) VCF-style: chr8-61777722-A-C.
Other names: c.2077A>C, p.Asn693His (NM_001316690.1); short protein forms N2742H, N693H.
Identifiers: ClinVar variation 2136122 (VCV002136122.7), dbSNP rs772957679, ClinGen allele CA4760970.